The following is an entry in ClinVar:

NM_198586.3(NHLRC1):c.303G>T (p.Pro101=)

Gene: NHLRC1 (NHL repeat containing E3 ubiquitin protein ligase 1; minus strand). Cytogenetic location: 6p22.3.
Variant type: single nucleotide variant.
Coding change: c.303G>T on transcript NM_198586.3 (MANE Select); coding-DNA position 303, G replaced by T.
Protein change: p.Pro101=; no amino-acid change (proline 101 retained).
Molecular consequence: synonymous variant.
Genome position (GRCh38, 1-based): chr6:18,122,304, C>A on the plus strand (G>T on the coding strand, the complement: NHLRC1 is on the minus strand). VCF-style: chr6-18122304-C-A. GRCh37 (hg19) VCF-style: chr6-18122535-C-A.
Other names: p.P101P:CCG>CCT.
Identifiers: ClinVar variation 138522 (VCV000138522.50), dbSNP rs187783545, ClinGen allele CA292542.

ClinVar aggregate classification (germline): Benign/Likely benign. Review status: criteria provided, multiple submitters, no conflicts (2 of 4 stars). 8 submissions from 8 submitters: Benign (5); Likely benign (2). 1 of the submissions does not count toward it. Last evaluated 2026-01-26.

Conditions:
Inborn genetic diseases. Identifiers: MedGen C0950123, MeSH D030342.
Lafora disease. Also called: Progressive Myoclonus Epilepsy, Lafora Type; Epilepsy progressive myoclonic 2. Identifiers: Orphanet 501, MedGen C0751783, MONDO:0009697.

Allele frequency attached by ClinVar (database versions not stated): gnomAD exomes 0.00091; ExAC 0.00153; 1000 Genomes Project 0.00280; 1000 Genomes Project 30x 0.00328; ESP Exome Variant Server 0.00358; TOPMed 0.00391; gnomAD 0.00443.

Submissions (8):

Labcorp Genetics (formerly Invitae), Labcorp
Classification: Benign for Lafora disease. Last evaluated: 2026-01-26. Review status: criteria provided, single submitter. Criteria: Invitae Variant Classification Sherloc (09022015). Collection method: clinical testing. Allele origin: germline.

Blueprint Genetics
Classification: Likely benign. Last evaluated: 2024-11-11. Review status: criteria provided, single submitter. Criteria: ACMG Guidelines, 2015. Collection method: clinical testing. Allele origin: germline.

CeGaT Center for Human Genetics Tuebingen
Classification: Likely benign. Last evaluated: 2024-09-01. Review status: criteria provided, single submitter. Criteria: CeGaT Center For Human Genetics Tuebingen Variant Classification Criteria Version 2. Collection method: clinical testing. Allele origin: germline. Affected: yes. Observed: 2 variant alleles.
Comment: NHLRC1: BP4, BP7, BS1

Illumina Laboratory Services, Illumina
Classification: Benign for Myoclonic epilepsy of Lafora 1. Last evaluated: 2018-01-12. Review status: criteria provided, single submitter. Criteria: ICSL Variant Classification Criteria 13 December 2019. Collection method: clinical testing. Allele origin: germline.
Comment: This variant was observed in the ICSL laboratory as part of a predisposition screen in an ostensibly healthy population. It had not been previously curated by ICSL or reported in the Human Gene Mutation Database (HGMD: prior to June 1st, 2018), and was therefore a candidate for classification through an automated scoring system. Utilizing variant allele frequency, disease prevalence and penetrance estimates, and inheritance mode, an automated score was calculated to assess if this variant is too frequent to cause the disease. Based on the score and internal cut-off values, a variant classified as benign is not then subjected to further curation. The score for this variant resulted in a classification of benign for this disease.

Ambry Genetics
Classification: Benign for Inborn genetic diseases. Last evaluated: 2016-01-08. Review status: criteria provided, single submitter. Criteria: Ambry Variant Classification Scheme 2023. Collection method: clinical testing. Allele origin: germline.

Eurofins Ntd Llc (ga)
Classification: Benign. Last evaluated: 2015-09-28. Review status: criteria provided, single submitter. Criteria: EGL Classification Definitions 2015. Collection method: clinical testing. Allele origin: germline. Observed: 1 variant allele, 1 heterozygote.

GeneDx
Classification: Benign. Last evaluated: 2012-05-02. Review status: criteria provided, single submitter. Criteria: GeneDx Variant Classification (06012015). Collection method: clinical testing. Allele origin: germline. Affected: yes.
Comment: This variant is considered likely benign or benign based on one or more of the following criteria: it is a conservative change, it occurs at a poorly conserved position in the protein, it is predicted to be benign by multiple in silico algorithms, and/or has population frequency not consistent with disease.

Mayo Clinic Laboratories, Mayo Clinic
Classification: Benign. Last evaluated: 2017-06-15. Review status: no assertion criteria provided. Collection method: clinical testing. Allele origin: unknown. Not counted in ClinVar's aggregate classification.